The following is an entry in ClinVar:

ClinVar aggregate classification (germline): Benign/Likely benign. Review status: criteria provided, multiple submitters, no conflicts (2 of 4 stars). 5 submissions from 5 submitters: Benign (3); Likely benign (2). Last evaluated 2026-02-04.

Conditions:
Congenital factor V deficiency. Also called: Hereditary factor V deficiency disease; PARAHEMOPHILIA; OWREN PARAHEMOPHILIA; LABILE FACTOR DEFICIENCY. Identifiers: Orphanet 326, MedGen C0015499, MONDO:0009210, OMIM 227400.
Thrombophilia due to activated protein C resistance (THPH2). Also called: APC resistance; Activated protein C resistance; PCCF DEFICIENCY; PROC COFACTOR DEFICIENCY; THROMBOPHILIA DUE TO DEFICIENCY OF ACTIVATED PROTEIN C COFACTOR; THROMBOPHILIA V. Identifiers: MedGen C1861171, MONDO:0008560, OMIM 188055. Disease mechanism: loss of function, gain of function.

Allele frequency attached by ClinVar (database versions not stated): ESP Exome Variant Server 0.04406; 1000 Genomes Project 30x 0.04419; 1000 Genomes Project 0.04533; TOPMed 0.04990; gnomAD 0.05290 and 0.05411; gnomAD exomes 0.06006 and 0.06406; ExAC 0.06081.
gnomAD v4.1: 95,833 of 1,612,978 alleles (5.9%); highest among the groups gnomAD compares: Admixed American, 9.6%; 3,361 homozygotes.

Submissions (5):

Labcorp Genetics (formerly Invitae), Labcorp
Classification: Benign for Congenital factor V deficiency. Last evaluated: 2026-02-04. Review status: criteria provided, single submitter. Criteria: Invitae Variant Classification Sherloc (09022015). Collection method: clinical testing. Allele origin: germline.

GeneDx
Classification: Benign. Last evaluated: 2021-05-04. Review status: criteria provided, single submitter. Criteria: GeneDx Variant Classification Process June 2021. Collection method: clinical testing. Allele origin: germline. Affected: yes.
Comment: This variant is associated with the following publications: (PMID: 33103541, 31399523, 22044617, 14656739, 14695293, 25896652, 20694279)

Illumina Laboratory Services, Illumina
Classification: Likely benign for Thrombophilia due to activated protein C resistance. Last evaluated: 2017-04-27. Review status: criteria provided, single submitter. Criteria: ICSL Variant Classification Criteria 13 December 2019. Collection method: clinical testing. Allele origin: germline.
Comment: This variant was observed as part of a predisposition screen in an ostensibly healthy population. A literature search was performed for the gene, cDNA change, and amino acid change (where applicable). No publications were found based on this search. Allele frequency data from public databases allowed determination this variant is unlikely to cause disease. Therefore, this variant is classified as likely benign.

Breakthrough Genomics
Classification: Likely benign. Review status: criteria provided, single submitter. Criteria: ACMG Guidelines, 2015. Collection method: not provided. Allele origin: germline. Inheritance: Autosomal recessive inheritance. Affected: yes.

PreventionGenetics, part of Exact Sciences
Classification: Benign. Review status: criteria provided, single submitter. Criteria: ACMG Guidelines, 2015. Collection method: clinical testing. Allele origin: germline.

NM_000130.5(F5):c.6665A>G (p.Asp2222Gly)

Gene: F5 (coagulation factor V; minus strand). Cytogenetic location: 1q24.2.
Variant type: single nucleotide variant.
Coding change: c.6665A>G on transcript NM_000130.5 (MANE Select); coding-DNA position 6665, A replaced by G.
Protein change: p.Asp2222Gly; replaces aspartic acid 2222 with glycine.
Molecular consequence: missense variant.
Genome position (GRCh38, 1-based): chr1:169,514,323, T>C on the plus strand (A>G on the coding strand, the complement: F5 is on the minus strand). VCF-style: chr1-169514323-T-C. GRCh37 (hg19) VCF-style: chr1-169483561-T-C.
Other names: short protein forms D2222G.
Identifiers: ClinVar variation 255215 (VCV000255215.13), dbSNP rs6027, ClinGen allele CA1233183.
Genomic context (GRCh38, chr1:169,514,323, plus strand): 5'-TGGTTTGAGGTCTTAAAGAGTCTCTTCCAGGGGTTTTTGAATGTTCAATTCTAGTAAATA[T>C]CACAGCCAAAGAGTTCCAGGCGAAGTGCAATACTTTGATTCCATGTTTTAGGAATGACAC-3'
Protein context (NP_000121.2, residues 2212-2224): IALRLELFGC[Asp2222Gly]IY